The following is an entry in ClinVar:

NM_006766.5(KAT6A):c.2260C>T (p.Gln754Ter)

Gene: KAT6A (lysine acetyltransferase 6A; minus strand). Cytogenetic location: 8p11.21.
Variant type: single nucleotide variant.
Coding change: c.2260C>T on transcript NM_006766.5 (MANE Select); coding-DNA position 2260, C replaced by T.
Protein change: p.Gln754Ter; replaces glutamine 754 with a stop codon.
Molecular consequence: nonsense.
Genome position (GRCh38, 1-based): chr8:41,942,969, G>A on the plus strand (C>T on the coding strand, the complement: KAT6A is on the minus strand). VCF-style: chr8-41942969-G-A. GRCh37 (hg19) VCF-style: chr8-41800487-G-A.
Other names: c.2260C>T, p.Gln754Ter (NM_001305878.2); short protein forms Q754*.
Identifiers: ClinVar variation 3906970 (VCV003906970.2).

ClinVar aggregate classification (germline): Pathogenic (1 of 4 stars; one submission).

Conditions:
Autosomal dominant intellectual disability-craniofacial anomalies-cardiac defects syndrome (ARTHS). Also called: Arboleda-Tham syndrome; Mental retardation, autosomal dominant 32; KAT6A syndrome. Identifiers: Orphanet 457193, MedGen C4225396, MONDO:0014558, OMIM 616268.

Submission:

Juno Genomics, Hangzhou Juno Genomics, Inc
Classification: Pathogenic for Autosomal dominant intellectual disability-craniofacial anomalies-cardiac defects syndrome. Review status: criteria provided, single submitter. Criteria: ACMG Guidelines, 2015. Collection method: clinical testing. Allele origin: germline. Affected: yes.
Comment: Absent from controls (or at extremely low frequency if recessive) in Genome Aggregation Database, Exome Sequencing Project, 1000 Genomes Project, or Exome Aggregation Consortium.;Null variant in a gene where loss of function (LOF) is a known mechanism of disease.;Assumed de novo, but without confirmation of paternity and maternity.